The following is an entry in ClinVar:

NM_005475.3(SH2B3):c.565C>G (p.Arg189Gly)

Gene: SH2B3 (SH2B adaptor protein 3; plus strand). Cytogenetic location: 12q24.12.
Variant type: single nucleotide variant.
Coding change: c.565C>G on transcript NM_005475.3 (MANE Select); coding-DNA position 565, C replaced by G.
Protein change: p.Arg189Gly; replaces arginine 189 with glycine.
Molecular consequence: missense variant.
Genome position (GRCh38, 1-based): chr12:111,418,710, C>G. VCF-style: chr12-111418710-C-G. GRCh37 (hg19) VCF-style: chr12-111856514-C-G.
Other names: short protein forms R189G.
Identifiers: ClinVar variation 5029479 (VCV005029479.1).
Genomic context (GRCh38, chr12:111,418,710, plus strand): 5'-GCTGCTGAGACCCCCGCCCGGCCTGGCCTGGCCAAGAAGTTCCTGCCCTGGAGCCTGGCC[C>G]GGGAGCCGCCACCCGAGGCGCTGAAGGAGGCGGTGCTGCGCTACAGCCTGGCCGACGAGG-3'
Protein context (NP_005466.1, residues 179-199): AKKFLPWSLA[Arg189Gly]EPPPEALKEA

ClinVar aggregate classification (germline): Uncertain significance (1 of 4 stars; one submission).

Conditions:
Inborn genetic diseases. Identifiers: MedGen C0950123, MeSH D030342.

gnomAD v4.1: 1 of 1,485,244 alleles (0.000067%); highest among the groups gnomAD compares: Non-Finnish European, 0.000089%; no homozygotes.

Submission:

Ambry Genetics
Classification: Uncertain significance for Inborn genetic diseases. Last evaluated: 2026-07-20. Review status: criteria provided, single submitter. Criteria: Ambry Variant Classification Scheme 2023. Collection method: clinical testing. Allele origin: germline.
Comment: The p.R189G variant (also known as c.565C>G), located in coding exon 1 of the SH2B3 gene, results from a C to G substitution at nucleotide position 565. The arginine at codon 189 is replaced by glycine, an amino acid with dissimilar properties. This amino acid position is conserved. In addition, this alteration is predicted to be tolerated by in silico analysis. Based on the available evidence, the clinical significance of this variant remains unclear.